The following is an entry in ClinVar:

ClinVar aggregate classification (germline): Conflicting classifications of pathogenicity. Review status: criteria provided, conflicting classifications (1 of 4 stars). 2 submissions from 2 submitters: Uncertain significance (1); Likely benign (1). Last evaluated 2026-02-11.

Conditions:
Hereditary cancer-predisposing syndrome. Also called: Tumor predisposition; Hereditary Cancer Syndrome; Neoplastic Syndromes, Hereditary; Hereditary neoplastic syndrome. Identifiers: Orphanet 140162, MedGen C0027672, MeSH D009386, MONDO:0015356.

Submissions (2):

Ambry Genetics
Classification: Uncertain significance for Hereditary cancer-predisposing syndrome. Last evaluated: 2026-02-11. Review status: criteria provided, single submitter. Criteria: Ambry Variant Classification Scheme 2023. Collection method: clinical testing. Allele origin: germline.
Comment: The c.1794-5T>G intronic variant results from a T to G substitution 5 nucleotides upstream from coding exon 12 in the RAD50 gene. This nucleotide position is well conserved in available vertebrate species. In silico splice site analysis for this alteration is inconclusive. Based on the available evidence, the clinical significance of this variant remains unclear.

Labcorp Genetics (formerly Invitae), Labcorp
Classification: Likely benign for Hereditary cancer-predisposing syndrome. Last evaluated: 2023-08-20. Review status: criteria provided, single submitter. Criteria: Invitae Variant Classification Sherloc (09022015). Collection method: clinical testing. Allele origin: germline.

NM_005732.4(RAD50):c.1794-5T>G

Gene: RAD50 (RAD50 double strand break repair protein; plus strand). Cytogenetic location: 5q31.1.
Variant type: single nucleotide variant.
Coding change: c.1794-5T>G on transcript NM_005732.4 (MANE Select); 5 bases into the intron before coding-DNA position 1794, T replaced by G.
Molecular consequence: intron variant.
Genome position (GRCh38, 1-based): chr5:132,594,864, T>G. VCF-style: chr5-132594864-T-G. GRCh37 (hg19) VCF-style: chr5-131930556-T-G.
Identifiers: ClinVar variation 480482 (VCV000480482.9), dbSNP rs1554098579, ClinGen allele CA658657512.